The following is an entry in ClinVar:

ClinVar aggregate classification (germline): Uncertain significance (1 of 4 stars; one submission).

Conditions:
Lymphoproliferative syndrome 1 (LPFS1). Identifiers: Orphanet 238505, Orphanet 538963, MedGen C3552634, MONDO:0013081, OMIM 613011.

Submission:

Labcorp Genetics (formerly Invitae), Labcorp
Classification: Uncertain significance for Lymphoproliferative syndrome 1. Last evaluated: 2025-12-03. Review status: criteria provided, single submitter. Criteria: Invitae Variant Classification Sherloc (09022015). Collection method: clinical testing. Allele origin: germline.
Comment: This sequence change replaces arginine, which is basic and polar, with tryptophan, which is neutral and slightly polar, at codon 193 of the ITK protein (p.Arg193Trp). This variant is present in population databases (rs765859749, gnomAD 0.02%). This variant has not been reported in the literature in individuals affected with ITK-related conditions. Invitae Evidence Modeling of protein sequence and biophysical properties (such as structural, functional, and spatial information, amino acid conservation, physicochemical variation, residue mobility, and thermodynamic stability) indicates that this missense variant is expected to disrupt ITK protein function with a positive predictive value of 80%. In summary, the available evidence is currently insufficient to determine the role of this variant in disease. Therefore, it has been classified as a Variant of Uncertain Significance.

NM_005546.4(ITK):c.577C>T (p.Arg193Trp)

Gene: ITK (IL2 inducible T cell kinase; plus strand). Cytogenetic location: 5q33.3.
Variant type: single nucleotide variant.
Coding change: c.577C>T on transcript NM_005546.4 (MANE Select); coding-DNA position 577, C replaced by T.
Protein change: p.Arg193Trp; replaces arginine 193 with tryptophan.
Molecular consequence: missense variant.
Genome position (GRCh38, 1-based): chr5:157,222,944, C>T. VCF-style: chr5-157222944-C-T. GRCh37 (hg19) VCF-style: chr5-156649954-C-T.
Other names: short protein forms R193W.
Identifiers: ClinVar variation 4723882 (VCV004723882.1).